The following is an entry in ClinVar:

NM_001127208.3(TET2):c.1306C>G (p.His436Asp)

Genes: TET2 (tet methylcytosine dioxygenase 2; plus strand), TET2-AS1 (TET2 antisense RNA 1; minus strand). Cytogenetic location: 4q24.
Variant type: single nucleotide variant.
Coding change: c.1306C>G on transcript NM_001127208.3 (MANE Select); coding-DNA position 1306, C replaced by G.
Protein change: p.His436Asp; replaces histidine 436 with aspartic acid.
Molecular consequence: missense variant.
Genome position (GRCh38, 1-based): chr4:105,235,248, C>G. VCF-style: chr4-105235248-C-G. GRCh37 (hg19) VCF-style: chr4-106156405-C-G.
Other names: c.1306C>G, p.His436Asp (NM_017628.4); short protein forms H436D.
Identifiers: ClinVar variation 3805930 (VCV003805930.1).
Genomic context (GRCh38, chr4:105,235,248, plus strand): 5'-CCTCAGCTTCCTTCAGAAGGAAAAAGCACTCTGAATGGTGGAGTTTTAGAAGAACACCAC[C>G]ACTACCCCAACCAAAGTAACACAACACTTTTAAGGGAAGTGAAAATAGAGGGTAAACCTG-3'
Protein context (NP_001120680.1, residues 426-446): LNGGVLEEHH[His436Asp]YPNQSNTTLL

ClinVar aggregate classification (germline): Uncertain significance (1 of 4 stars; one submission).

gnomAD v4.1: 1 of 1,614,068 alleles (0.000062%); highest among the groups gnomAD compares: African/African-American, 0.0013%; no homozygotes.

Submission:

Ambry Genetics
Classification: Uncertain significance. Last evaluated: 2025-01-05. Review status: criteria provided, single submitter. Criteria: Ambry Variant Classification Scheme 2023. Collection method: clinical testing. Allele origin: germline.
Comment: The p.H436D variant (also known as c.1306C>G), located in coding exon 1 of the TET2 gene, results from a C to G substitution at nucleotide position 1306. The histidine at codon 436 is replaced by aspartic acid, an amino acid with similar properties. This amino acid position is conserved. In addition, this alteration is predicted to be tolerated by in silico analysis. Based on the available evidence, the clinical significance of this variant remains unclear.